The following is an entry in ClinVar:

NM_001165963.4(SCN1A):c.1150T>A (p.Trp384Arg)

Gene: SCN1A (sodium voltage-gated channel alpha subunit 1; minus strand). Cytogenetic location: 2q24.3.
Variant type: single nucleotide variant.
Coding change: c.1150T>A on transcript NM_001165963.4 (MANE Select); coding-DNA position 1150, T replaced by A.
Protein change: p.Trp384Arg; replaces tryptophan 384 with arginine.
Molecular consequence: missense variant. On other transcripts: 5 prime UTR variant (1), non-coding transcript variant (1).
Genome position (GRCh38, 1-based): chr2:166,047,647, A>T on the plus strand (T>A on the coding strand, the complement: SCN1A is on the minus strand). VCF-style: chr2-166047647-A-T. GRCh37 (hg19) VCF-style: chr2-166904157-A-T.
Other names: c.1150T>A, p.Trp384Arg (NM_001165964.3, NM_001202435.3, NM_001353948.2 and 10 more transcripts); c.-1276T>A (NM_001353961.2); short protein forms W384R.
Identifiers: ClinVar variation 390676 (VCV000390676.11), dbSNP rs1057523858, ClinGen allele CA16603948.

ClinVar aggregate classification (germline): Pathogenic. Review status: criteria provided, multiple submitters, no conflicts (2 of 4 stars). 2 submissions from 2 submitters: Pathogenic (2). Last evaluated 2024-06-03.

Conditions:
Early-infantile DEE. Also called: Early infantile epileptic encephalopathy with suppression bursts; Ohtahara syndrome; Early infantile epileptic encephalopathy. Identifiers: Orphanet 1934, MedGen C0393706, MONDO:0800491.

Submissions (2):

Labcorp Genetics (formerly Invitae), Labcorp
Classification: Pathogenic for Early-infantile DEE. Last evaluated: 2024-06-03. Review status: criteria provided, single submitter. Criteria: Invitae Variant Classification Sherloc (09022015). Collection method: clinical testing. Allele origin: germline.
Comment: This sequence change replaces tryptophan, which is neutral and slightly polar, with arginine, which is basic and polar, at codon 384 of the SCN1A protein (p.Trp384Arg). This variant is not present in population databases (gnomAD no frequency). This missense change has been observed in individual(s) with Dravet Syndrome (PMID: 21248271, 23195492, 23762420). In at least one individual the variant was observed to be de novo. ClinVar contains an entry for this variant (Variation ID: 390676). Advanced modeling of protein sequence and biophysical properties (such as structural, functional, and spatial information, amino acid conservation, physicochemical variation, residue mobility, and thermodynamic stability) performed at Invitae indicates that this missense variant is expected to disrupt SCN1A protein function with a positive predictive value of 95%. For these reasons, this variant has been classified as Pathogenic.

GeneDx
Classification: Pathogenic. Last evaluated: 2019-06-17. Review status: criteria provided, single submitter. Criteria: GeneDx Variant Classification Process June 2021. Collection method: clinical testing. Allele origin: germline. Affected: yes.
Comment: Not observed in large population cohorts (Lek et al., 2016); The majority of missense variants in this gene are considered pathogenic (Stenson et al., 2014); In silico analysis, which includes protein predictors and evolutionary conservation, supports a deleterious effect; This substitution is predicted to be within the pore forming loop between the S5 and S6 transmembrane segments of the first homologous domain; This variant is associated with the following publications: (PMID: 30619928, 23762420, 23195492, 18804930, 31009440)

Literature cited by the submitters: PubMed 21248271 (cited by Labcorp Genetics (formerly Invitae), Labcorp); PubMed 23195492 (cited by Labcorp Genetics (formerly Invitae), Labcorp); PubMed 23762420 (cited by Labcorp Genetics (formerly Invitae), Labcorp).